The following is an entry in ClinVar:

ClinVar aggregate classification (germline): Uncertain significance (1 of 4 stars; one submission).

Submission:

Dasa
Classification: Uncertain significance. Last evaluated: 2025-11-01. Review status: criteria provided, single submitter. Criteria: DASA Assertion Criteria. Collection method: clinical testing. Allele origin: germline.
Comment: NM_005633.4(SOS1):c.1223A>G (p.Tyr408Cys) is a missense variant that results in the substitution of tyrosine with cysteine. This variant is absent from population databases. The currently available literature and clinical evidence are not sufficient to establish a definitive association between this variant and the reported condition. Therefore, this variant is classified as a variant of uncertain significance.

NM_005633.4(SOS1):c.1223A>G (p.Tyr408Cys)

Gene: SOS1 (SOS Ras/Rac guanine nucleotide exchange factor 1; minus strand). Cytogenetic location: 2p22.1.
Variant type: single nucleotide variant.
Coding change: c.1223A>G on transcript NM_005633.4 (MANE Select); coding-DNA position 1223, A replaced by G.
Protein change: p.Tyr408Cys; replaces tyrosine 408 with cysteine.
Molecular consequence: missense variant.
Genome position (GRCh38, 1-based): chr2:39,023,205, T>C on the plus strand (A>G on the coding strand, the complement: SOS1 is on the minus strand). VCF-style: chr2-39023205-T-C. GRCh37 (hg19) VCF-style: chr2-39250346-T-C.
Other names: c.1202A>G, p.Tyr401Cys (NM_001382394.1); c.1223A>G, p.Tyr408Cys (NM_001382395.1); short protein forms Y401C, Y408C.
Identifiers: ClinVar variation 4885366 (VCV004885366.2).
Genomic context (GRCh38, chr2:39,023,205, plus strand): 5'-TTCTTCTGAATCTCGTTCATCTTCTTGATTGCTAGTTGTTTCCCCTTCATTTGCTGACTA[T>C]AAAACCGACATGCAGATTCACTGGAATAAAGAAAAAGACATTATTAGTACATAGATGACA-3'
Protein context (NP_005624.2, residues 398-418): RRLSESACRF[Tyr408Cys]SQQMKGKQLA